The following is an entry in ClinVar:

NM_001171.6(ABCC6):c.2996-7_2996-4del

Gene: ABCC6 (ATP binding cassette subfamily C member 6; minus strand). Cytogenetic location: 16p13.11.
Variant type: Microsatellite.
Coding change: c.2996-7_2996-4del on transcript NM_001171.6 (MANE Select); 7 bases into the intron before coding-DNA position 2996 through 4 bases into the intron before coding-DNA position 2996, 4 bases deleted (TCCC; older notation c.2996-7_2996-4delTCCC).
Molecular consequence: intron variant.
Genome position (GRCh38, 1-based): chr16:16,165,937-16,165,940, GGGA deleted on the plus strand (TCCC on the coding strand, the reverse complement: ABCC6 is on the minus strand); deleting any 4 consecutive bases within chr16:16,165,937-16,165,945 gives the same sequence; the c. name uses the placement nearest the transcript's 3' end. VCF-style (leftmost placement, unchanged base first): chr16-16165936-GGGGA-G. GRCh37 (hg19) VCF-style: chr16-16259793-GGGGA-G.
Other names: c.2654-7_2654-4del (NM_001351800.1).
Identifiers: ClinVar variation 1805186 (VCV001805186.1), dbSNP rs762731402, ClinGen allele CA7925709.
Genomic context (GRCh38, chr16:16,165,936, plus strand): 5'-CTGGATGCCCGGGCCCCACCTAGGAGCACCGCAGCCATGGAGGCAAACAGCCCAATGGCT[GGGGA>G]GGGAGAGGAGGTAAGAGCATGAGGGCTGGAGACCCTCAGGAGCGGCCCACGGGGCCCTGC-3'

ClinVar aggregate classification (germline): Likely benign (1 of 4 stars; one submission).

Conditions:
Autosomal recessive inherited pseudoxanthoma elasticum (PXE). Identifiers: Orphanet 758, MedGen CN032334, MONDO:0009925, OMIM 264800.

Submission:

Victorian Clinical Genetics Services, Murdoch Childrens Research Institute
Classification: Likely benign for Autosomal recessive inherited pseudoxanthoma elasticum. Last evaluated: 2022-06-24. Review status: criteria provided, single submitter. Criteria: ACMG Guidelines, 2015. Collection method: clinical testing. Allele origin: germline. Inheritance: Autosomal recessive inheritance. Affected: yes.
Comment: Based on the classification scheme VCGS_Germline_v1.3.4, this variant is classified as Likely benign. Following criteria are met: 0102 - Loss of function is a known mechanism of disease in this gene and is associated with generalized infantile arterial calcification 2 (MIM#614473), pseudoxanthoma elasticum (MIM#264800) and forme fruste pseudoxanthoma elasticum (MIM#177850). (I) 0106 - This gene is associated with autosomal recessive disease. OIder publications suggest dominant disease (OMIM). (I) 0115 - Variants in this gene are known to have variable expressivity. Intrafamilial variability with age-dependent severity has been well reported (PMID: 28102862). (I) 0212 - Non-canonical splice site variant without proven consequence on splicing (no functional evidence available). (SP) 0251 - This variant is heterozygous. (I) 0304 - Variant is present in gnomAD (v2) <0.01 for a recessive condition (4 heterozygotes, 0 homozygotes). (SP) 0506 - Abnormal splicing is not predicted and nucleotide is poorly conserved. (SB) 0705 - No comparable splice variants have previous evidence for pathogenicity. (I) 0809 - Previous evidence of pathogenicity for this variant is inconclusive. This variant has been described as a silent mutation as it affects non-coding DNA, but was observed in an individual with PXE where the variant was annotated as IVS22-5delTCCC-8 (PMID: 12384774). (I) 0905 - No published segregation evidence has been identified for this variant. (I) 1007 - No published functional evidence has been identified for this variant. (I) 1102 - Strong phenotype match for this individual. (I) Legend: (SP) - Supporting pathogenic, (I) - Information, (SB) - Supporting benign

Literature cited by the submitters: PubMed 12384774; PubMed 28102862.